The following is an entry in ClinVar:

NM_015338.6(ASXL1):c.4603G>A (p.Val1535Ile)

Gene: ASXL1 (ASXL transcriptional regulator 1; plus strand). Cytogenetic location: 20q11.21.
Variant type: single nucleotide variant.
Coding change: c.4603G>A on transcript NM_015338.6 (MANE Select); coding-DNA position 4603, G replaced by A.
Protein change: p.Val1535Ile; replaces valine 1535 with isoleucine.
Molecular consequence: missense variant.
Genome position (GRCh38, 1-based): chr20:32,437,315, G>A. VCF-style: chr20-32437315-G-A. GRCh37 (hg19) VCF-style: chr20-31025118-G-A.
Other names: c.4420G>A, p.Val1474Ile (NM_001363734.1); short protein forms V1535I, V1474I.
Identifiers: ClinVar variation 3052284 (VCV003052284.2), dbSNP rs886056603, ClinGen allele CA10653048.

ClinVar aggregate classification (germline): Uncertain significance (0 of 4 stars; one submission).

Conditions:
ASXL1-related disorder. Also called: ASXL1-related disorders; ASXL1-related condition.

Allele frequency attached by ClinVar (database versions not stated): gnomAD 0.00001; gnomAD exomes 0.00001; TOPMed 0.00002.
gnomAD v4.1: 20 of 1,614,002 alleles (0.0012%); highest among the groups gnomAD compares: Non-Finnish European, 0.00042%; no homozygotes.

Submission:

PreventionGenetics, part of Exact Sciences
Classification: Uncertain significance for ASXL1-related condition. Last evaluated: 2024-02-19. Review status: no assertion criteria provided. Collection method: clinical testing. Allele origin: germline.
Comment: The ASXL1 c.4603G>A variant is predicted to result in the amino acid substitution p.Val1535Ile. To our knowledge, this variant has not been reported in the literature. This variant is reported in 0.020% of alleles in individuals of Ashkenazi Jewish descent in gnomAD. Although we suspect that this variant may be benign, at this time, the clinical significance of this variant is uncertain due to the absence of conclusive functional and genetic evidence.